The following is an entry in ClinVar:

NM_003922.4(HERC1):c.2420C>T (p.Ala807Val)

Gene: HERC1 (HECT and RLD domain containing E3 ubiquitin protein ligase family member 1; minus strand). Cytogenetic location: 15q22.31.
Variant type: single nucleotide variant.
Coding change: c.2420C>T on transcript NM_003922.4 (MANE Select); coding-DNA position 2420, C replaced by T.
Protein change: p.Ala807Val; replaces alanine 807 with valine.
Molecular consequence: missense variant.
Genome position (GRCh38, 1-based): chr15:63,747,018, G>A on the plus strand (C>T on the coding strand, the complement: HERC1 is on the minus strand). VCF-style: chr15-63747018-G-A. GRCh37 (hg19) VCF-style: chr15-64039217-G-A.
Other names: short protein forms A807V.
Identifiers: ClinVar variation 2257196 (VCV002257196.3), dbSNP rs1039999630, ClinGen allele CA272105030.

ClinVar aggregate classification (germline): Uncertain significance (1 of 4 stars; one submission).

Conditions:
Inborn genetic diseases. Identifiers: MedGen C0950123, MeSH D030342.

Allele frequency attached by ClinVar (database versions not stated): TOPMed 0.00001; gnomAD 0.00001; gnomAD exomes 0.00001.
gnomAD v4.1: 15 of 1,588,992 alleles (0.00094%); highest among the groups gnomAD compares: South Asian, 0.0023%; no homozygotes.

Submission:

Ambry Genetics
Classification: Uncertain significance for Inborn genetic diseases. Last evaluated: 2026-05-21. Review status: criteria provided, single submitter. Criteria: Ambry Variant Classification Scheme 2023. Collection method: clinical testing. Allele origin: germline.
Comment: The c.2420C>T (p.A807V) alteration is located in exon 12 (coding exon 11) of the HERC1 gene. This alteration results from a C to T substitution at nucleotide position 2420, causing the alanine (A) at amino acid position 807 to be replaced by a valine (V). Based on data from gnomAD, the T allele has an overall frequency of 0.002% (4/212448) total alleles studied. The highest observed frequency was 0.007% (1/15352) of East Asian alleles. This amino acid position is highly conserved in available vertebrate species. The in silico prediction for this alteration is inconclusive. Based on insufficient or conflicting evidence, the clinical significance of this alteration remains unclear.